The following is an entry in ClinVar:

NM_144585.4(SLC22A12):c.507-8_511del

Gene: SLC22A12 (solute carrier family 22 member 12; plus strand). Cytogenetic location: 11q13.1.
Variant type: Deletion.
Coding change: c.507-8_511del on transcript NM_144585.4 (MANE Select); 8 bases into the intron before coding-DNA position 507 through coding-DNA position 511, 13 bases deleted (TGCCGCAGGTTTG).
Molecular consequence: splice acceptor variant. On other transcripts: intron variant (2).
Genome position (GRCh38, 1-based): chr11:64,593,397-64,593,409, TGCCGCAGGTTTG deleted; deleting any 13 consecutive bases within chr11:64,593,391-64,593,409 gives the same sequence; the c. name uses the placement nearest the transcript's 3' end. VCF-style (leftmost placement, unchanged base first): chr11-64593390-TGGTTTGTGCCGCA-T. GRCh37 (hg19) VCF-style: chr11-64360862-TGGTTTGTGCCGCA-T.
Other names: c.507-8_511del (NM_001276326.2); c.506+515_506+527del (NM_001276327.2); c.-2-238_-2-226del (NM_153378.3).
Identifiers: ClinVar variation 1515855 (VCV001515855.9), dbSNP rs1404199426, ClinGen allele CA599803121.

ClinVar aggregate classification (germline): Likely pathogenic. Review status: criteria provided, multiple submitters, no conflicts (2 of 4 stars). 2 submissions from 2 submitters: Likely pathogenic (2). Last evaluated 2021-07-22.

Conditions:
Dalmatian hypouricemia (RHUC1). Identifiers: MedGen C0473219, MONDO:0020728, OMIM 220150.

Submissions (2):

Fulgent Genetics
Classification: Likely pathogenic for Dalmatian hypouricemia. Last evaluated: 2021-07-22. Review status: criteria provided, single submitter. Criteria: ACMG Guidelines, 2015. Collection method: clinical testing. Allele origin: unknown.

Labcorp Genetics (formerly Invitae), Labcorp
Classification: Likely pathogenic. Last evaluated: 2021-02-07. Review status: criteria provided, single submitter. Criteria: Invitae Variant Classification Sherloc (09022015). Collection method: clinical testing. Allele origin: germline.
Comment: This variant has not been reported in the literature in individuals with SLC22A12-related conditions. In summary, the currently available evidence indicates that the variant is pathogenic, but additional data are needed to prove that conclusively. Therefore, this variant has been classified as Likely Pathogenic. Algorithms developed to predict the effect of sequence changes on RNA splicing suggest that this variant may disrupt the consensus splice site, but this prediction has not been confirmed by published transcriptional studies. This variant is not present in population databases (ExAC no frequency). This variant results in the deletion of part of exon 3 (c.507-8_511del) of the SLC22A12 gene. It is expected to disrupt RNA splicing. Variants that disrupt the donor or acceptor splice site typically lead to a loss of protein function (PMID: 16199547), and loss-of-function variants in SLC22A12 are known to be pathogenic (PMID: 14694169).

Literature cited by the submitters: PubMed 16199547 (cited by Labcorp Genetics (formerly Invitae), Labcorp); PubMed 14694169 (cited by Labcorp Genetics (formerly Invitae), Labcorp).